The following is an entry in ClinVar:

NM_139058.3(ARX):c.653G>T (p.Gly218Val)

Gene: ARX (aristaless related homeobox; minus strand). Cytogenetic location: Xp21.3.
Variant type: single nucleotide variant.
Coding change: c.653G>T on transcript NM_139058.3 (MANE Select); coding-DNA position 653, G replaced by T.
Protein change: p.Gly218Val; replaces glycine 218 with valine.
Molecular consequence: missense variant.
Genome position (GRCh38, 1-based): chrX:25,013,342, C>A on the plus strand (G>T on the coding strand, the complement: ARX is on the minus strand). VCF-style: chrX-25013342-C-A. GRCh37 (hg19) VCF-style: chrX-25031459-C-A.
Other names: short protein forms G218V.
Identifiers: ClinVar variation 1706342 (VCV001706342.3), dbSNP rs2048710630, ClinGen allele CA412612725.

ClinVar aggregate classification (germline): Uncertain significance (1 of 4 stars; one submission).

Submission:

GeneDx
Classification: Uncertain significance. Last evaluated: 2026-04-16. Review status: criteria provided, single submitter. Criteria: GeneDx Variant Classification Process June 2021. Collection method: clinical testing. Allele origin: germline.
Comment: Not observed at significant frequency in large population cohorts (gnomAD); In silico analysis suggests that this missense variant does not alter protein structure/function; Has not been previously published as pathogenic or benign to our knowledge